The following is an entry in ClinVar:

ClinVar aggregate classification (germline): Uncertain significance (1 of 4 stars; one submission).

Conditions:
Desbuquois dysplasia 1 (DBQD1). Also called: MICROMELIC DWARFISM WITH VERTEBRAL AND METAPHYSEAL ABNORMALITIES AND ADVANCED CARPOTARSAL OSSIFICATION; DESBUQUOIS DYSPLASIA 1, KIM VARIANT. Identifiers: Orphanet 1425, MedGen C4012146, MONDO:0009629, OMIM 251450.

Allele frequency attached by ClinVar (database versions not stated): gnomAD exomes below 0.00001 and 0.00001; TOPMed below 0.00001; ExAC 0.00001.
gnomAD v4.1: 2 of 1,613,924 alleles (0.00012%); highest among the groups gnomAD compares: Admixed American, 0.0017%; no homozygotes.

Submission:

Labcorp Genetics (formerly Invitae), Labcorp
Classification: Uncertain significance for Desbuquois dysplasia 1. Last evaluated: 2021-05-20. Review status: criteria provided, single submitter. Criteria: Invitae Variant Classification Sherloc (09022015). Collection method: clinical testing. Allele origin: germline.
Comment: This sequence change replaces glycine with glutamic acid at codon 230 of the XYLT1 protein (p.Gly230Glu). The glycine residue is moderately conserved and there is a moderate physicochemical difference between glycine and glutamic acid. In summary, the available evidence is currently insufficient to determine the role of this variant in disease. Therefore, it has been classified as a Variant of Uncertain Significance. Algorithms developed to predict the effect of missense changes on protein structure and function (SIFT, PolyPhen-2, Align-GVGD) all suggest that this variant is likely to be tolerated, but these predictions have not been confirmed by published functional studies and their clinical significance is uncertain. This variant has not been reported in the literature in individuals with XYLT1-related conditions. This variant is present in population databases (rs746038429, ExAC 0.01%).

NM_022166.4(XYLT1):c.689G>A (p.Gly230Glu)

Gene: XYLT1 (xylosyltransferase 1; minus strand). Cytogenetic location: 16p12.3.
Variant type: single nucleotide variant.
Coding change: c.689G>A on transcript NM_022166.4 (MANE Select); coding-DNA position 689, G replaced by A.
Protein change: p.Gly230Glu; replaces glycine 230 with glutamic acid.
Molecular consequence: missense variant.
Genome position (GRCh38, 1-based): chr16:17,259,212, C>T on the plus strand (G>A on the coding strand, the complement: XYLT1 is on the minus strand). VCF-style: chr16-17259212-C-T. GRCh37 (hg19) VCF-style: chr16-17353069-C-T.
Other names: short protein forms G230E.
Identifiers: ClinVar variation 1417962 (VCV001417962.8), dbSNP rs746038429, ClinGen allele CA7928133.
Genomic context (GRCh38, chr16:17,259,212, plus strand): 5'-TTGGTCTCGGGGGAGCTGCCCCCAGTTTTCCTGGCATGAGGCGGTCTGGACACATCCTTC[C>T]CGTGGCTGCTGTTGGCTGCGGCTCTGTCCCCGGGAGGCAGCACCTCACCGGGGCCTTTCC-3'
Protein context (NP_071449.1, residues 220-240): GDRAAANSSH[Gly230Glu]KDVSRPPHAR